The following is an entry in ClinVar:

ClinVar aggregate classification (germline): Uncertain significance (0 of 4 stars; one submission).

Submission:

ISCA site 1
Classification: Uncertain significance. Last evaluated: 2011-05-06. Review status: no assertion criteria provided. Collection method: clinical testing. Allele origin: maternal. Affected: yes. Observed: 1 variant allele.
Comment: Copy number variation identified through the course of routine clinical cytogenomic testing in postnatal populations. Clinical assertions have been curated as described in Kaminsky et al. 2011.

Copy number variation identified through the course of routine clinical cytogenomic testing in postnatal populations. Clinical assertions have been curated as described in Kaminsky, et al. 2011 (PubMed 21844811). For additional ClinGen data, please see nstd37.

GRCh38/hg38 16q23.3-24.1(chr16:83878992-84908120)x3

Genes: ADAD2 (adenosine deaminase domain containing 2; plus strand), HSDL1 (hydroxysteroid dehydrogenase like 1; minus strand), ATP2C2 (ATPase secretory pathway Ca2+ transporting 2; plus strand), ATP2C2-AS1 (ATP2C2 antisense RNA 1; minus strand), COTL1 (coactosin like F-actin binding protein 1; minus strand) and 77 more. Cytogenetic location: 16q23.3-24.1.
Variant type: copy number gain.
Change: copy number 3 (three copies instead of two) of chr16:83,878,992-84,908,120 (1.03 Mb, GRCh38 coordinates, 1-based), cytogenetic band 16q23.3-24.1.
Identifiers: ClinVar variation 146470 (VCV000146470.2).